The following is an entry in ClinVar:

NM_001040716.2(PC):c.88del (p.Arg30fs)

Gene: PC (pyruvate carboxylase; minus strand). Cytogenetic location: 11q13.2.
Variant type: Deletion.
Coding change: c.88del on transcript NM_001040716.2 (MANE Select); coding-DNA position 88, one base deleted (C; older notation c.88delC).
Protein change: p.Arg30fs; shifts the reading frame from arginine 30.
Molecular consequence: frameshift variant.
Genome position (GRCh38, 1-based): chr11:66,872,072, G deleted on the plus strand (C on the coding strand, the reverse complement: PC is on the minus strand); the first of 2 consecutive G bases (chr11:66,872,072-66,872,073); deleting either gives the same sequence. VCF-style (leftmost placement, unchanged base first): chr11-66872071-CG-C. GRCh37 (hg19) VCF-style: chr11-66639542-CG-C.
Other names: c.88del, p.Arg30fs (NM_000920.4, NM_022172.3); short protein forms R30fs.
Identifiers: ClinVar variation 1725626 (VCV001725626.2), dbSNP rs2495806084, ClinGen allele CA2580084609.

ClinVar aggregate classification (germline): Likely pathogenic (1 of 4 stars; one submission).

Conditions:
Pyruvate carboxylase deficiency. Also called: ATAXIA WITH LACTIC ACIDOSIS II; LEIGH NECROTIZING ENCEPHALOPATHY DUE TO PYRUVATE CARBOXYLASE DEFICIENCY; LEIGH SYNDROME DUE TO PYRUVATE CARBOXYLASE DEFICIENCY; PC DEFICIENCY; Pyruvate Carboxylase Deficiency Disease. Identifiers: Orphanet 3008, MedGen C0034341, MONDO:0009949, OMIM 266150.

Submission:

Myriad Genetics, Inc.
Classification: Likely pathogenic for Pyruvate carboxylase deficiency. Last evaluated: 2022-03-30. Review status: criteria provided, single submitter. Criteria: Myriad Women's Health Autosomal Recessive and X-Linked Classification Criteria (2021). Collection method: clinical testing. Allele origin: unknown.
Comment: NM_000920.3(PC):c.88delC(R30Gfs*35) is expected to be pathogenic in the context of pyruvate carboxylase deficiency. This variant is predicted to lead to an abnormal or absent protein product due to the creation of a premature termination codon in PC, a gene where loss-of-function variants are known to be pathogenic. Please note: this variant was assessed in the context of healthy population screening.